The following is an entry in ClinVar:

NM_012293.3(PXDN):c.3419C>T (p.Thr1140Met)

Gene: PXDN (peroxidasin; minus strand). Cytogenetic location: 2p25.3.
Variant type: single nucleotide variant.
Coding change: c.3419C>T on transcript NM_012293.3 (MANE Select); coding-DNA position 3419, C replaced by T.
Protein change: p.Thr1140Met; replaces threonine 1140 with methionine.
Molecular consequence: missense variant.
Genome position (GRCh38, 1-based): chr2:1,648,361, G>A on the plus strand (C>T on the coding strand, the complement: PXDN is on the minus strand). VCF-style: chr2-1648361-G-A. GRCh37 (hg19) VCF-style: chr2-1652133-G-A.
Other names: short protein forms T1140M.
Identifiers: ClinVar variation 4990779 (VCV004990779.1).

ClinVar aggregate classification (germline): Uncertain significance (1 of 4 stars; one submission).

Conditions:
PXDN-related disorder. Also called: PXDN-related condition.

gnomAD v4.1: 73 of 1,613,322 alleles (0.0045%); highest among the groups gnomAD compares: Non-Finnish European, 0.0058%; no homozygotes.

Submission:

PreventionGenetics, part of Exact Sciences
Classification: Uncertain significance for PXDN-related condition. Last evaluated: 2024-10-14. Review status: criteria provided, single submitter. Criteria: ACMG Guidelines, 2015. Collection method: clinical testing. Allele origin: germline.
Comment: The PXDN c.3419C>T variant is predicted to result in the amino acid substitution p.Thr1140Met. To our knowledge, this variant has not been reported in the literature. This variant is reported in 0.0078% of alleles in individuals of European (Non-Finnish) descent in gnomAD. At this time, the clinical significance of this variant is uncertain due to the absence of conclusive functional and genetic evidence.